The following is an entry in ClinVar:

NM_182548.4(LHFPL5):c.506C>T (p.Thr169Met)

Gene: LHFPL5 (LHFPL tetraspan subfamily member 5; plus strand). Cytogenetic location: 6p21.31.
Variant type: single nucleotide variant.
Coding change: c.506C>T on transcript NM_182548.4 (MANE Select); coding-DNA position 506, C replaced by T.
Protein change: p.Thr169Met; replaces threonine 169 with methionine.
Molecular consequence: missense variant.
Genome position (GRCh38, 1-based): chr6:35,814,639, C>T. VCF-style: chr6-35814639-C-T. GRCh37 (hg19) VCF-style: chr6-35782416-C-T.
Other names: short protein forms T169M.
Identifiers: ClinVar variation 356492 (VCV000356492.6), dbSNP rs372084864, ClinGen allele CA3774429.
Genomic context (GRCh38, chr6:35,814,639, plus strand): 5'-CTGATGGTTGGGACTCAAGTGAGGTGCGGCGCATGTGTGGGGAGCAGACGGGCAAGTACA[C>T]GCTGGGCCACTGCACCATCCGCTGGGCCTTCATGCTGGCCATCCTCAGCATTGGCGACGC-3'
Protein context (NP_872354.1, residues 159-179): RMCGEQTGKY[Thr169Met]LGHCTIRWAF

ClinVar aggregate classification (germline): Uncertain significance. Review status: criteria provided, multiple submitters, no conflicts (2 of 4 stars). 2 submissions from 2 submitters: Uncertain significance (2). Last evaluated 2022-04-08.

Conditions:
Autosomal recessive nonsyndromic hearing loss 67. Identifiers: Orphanet 90636, MedGen C1853223, MONDO:0012460, OMIM 610265.

Allele frequency attached by ClinVar (database versions not stated): gnomAD 0.00001; gnomAD exomes 0.00002 and 0.00004; TOPMed 0.00003; ExAC 0.00005; ESP Exome Variant Server 0.00008.
gnomAD v4.1: 34 of 1,614,052 alleles (0.0021%); highest among the groups gnomAD compares: Admixed American, 0.01%; no homozygotes.

Submissions (2):

GeneDx
Classification: Uncertain significance. Last evaluated: 2022-04-08. Review status: criteria provided, single submitter. Criteria: GeneDx Variant Classification Process June 2021. Collection method: clinical testing. Allele origin: germline. Affected: yes.
Comment: In silico analysis supports that this missense variant has a deleterious effect on protein structure/function; Has not been previously published as pathogenic or benign to our knowledge

Illumina Laboratory Services, Illumina
Classification: Uncertain significance for Autosomal recessive nonsyndromic hearing loss 67. Last evaluated: 2018-01-13. Review status: criteria provided, single submitter. Criteria: ICSL Variant Classification Criteria 13 December 2019. Collection method: clinical testing. Allele origin: germline.